The following is an entry in ClinVar:

ClinVar aggregate classification (germline): Conflicting classifications of pathogenicity. Review status: criteria provided, conflicting classifications (1 of 4 stars). 3 submissions from 3 submitters: Uncertain significance (2); Likely benign (1). Last evaluated 2025-10-03.

Conditions:
Genitopatellar syndrome (GTPTS). Also called: ABSENT PATELLAE, SCROTAL HYPOPLASIA, RENAL ANOMALIES, FACIAL DYSMORPHISM, AND MENTAL RETARDATION; Genitopatellar syndrome (GPS). Identifiers: Orphanet 85201, MedGen C1853566, MONDO:0011640, OMIM 606170.
Blepharophimosis - intellectual disability syndrome, SBBYS type (SBBYSS). Also called: Young Simpson syndrome; Mental retardation unusual facies hypothyroidism; Say-Barber-Biesecker-Young-Simpson variant of Ohdo Syndrome; Ohdo syndrome, SBBYS variant; SBBYSS syndrome; Say-Barber-Biesecker Variant of Ohdo Syndrome. Identifiers: Orphanet 3047, MedGen C1863557, MONDO:0011365, OMIM 603736.

Allele frequency attached by ClinVar (database versions not stated): gnomAD exomes 0.00001 and 0.00003; gnomAD 0.00002; TOPMed 0.00002.

Submissions (3):

Women's Health and Genetics/Laboratory Corporation of America, LabCorp
Classification: Uncertain significance. Last evaluated: 2025-10-03. Review status: criteria provided, single submitter. Criteria: LabCorp Variant Classification Summary - May 2015. Collection method: clinical testing. Allele origin: germline.
Comment: Variant summary: KAT6B c.86A>T (p.Glu29Val) results in a non-conservative amino acid change in the encoded protein sequence. Algorithms developed to predict the effect of missense changes on protein structure and function all suggest that this variant is likely to be disruptive. The variant allele was found at a frequency of 1.2e-05 in 251462 control chromosomes. The available data on variant occurrences in the general population are insufficient to allow any conclusion about variant significance. To our knowledge, no occurrence of c.86A>T in individuals affected with KAT6B-related conditions and no experimental evidence demonstrating its impact on protein function have been reported. ClinVar contains an entry for this variant (Variation ID: 1363581). Based on the evidence outlined above, the variant was classified as uncertain significance.

Labcorp Genetics (formerly Invitae), Labcorp
Classification: Uncertain significance for Genitopatellar syndrome. Last evaluated: 2025-09-28. Review status: criteria provided, single submitter. Criteria: Invitae Variant Classification Sherloc (09022015). Collection method: clinical testing. Allele origin: germline.
Comment: This sequence change replaces glutamic acid, which is acidic and polar, with valine, which is neutral and non-polar, at codon 29 of the KAT6B protein (p.Glu29Val). This variant is present in population databases (no rsID available, gnomAD 0.006%). This variant has not been reported in the literature in individuals affected with KAT6B-related conditions. ClinVar contains an entry for this variant (Variation ID: 1363581). Invitae Evidence Modeling of protein sequence and biophysical properties (such as structural, functional, and spatial information, amino acid conservation, physicochemical variation, residue mobility, and thermodynamic stability) indicates that this missense variant is not expected to disrupt KAT6B protein function with a negative predictive value of 80%. In summary, the available evidence is currently insufficient to determine the role of this variant in disease. Therefore, it has been classified as a Variant of Uncertain Significance.

Fulgent Genetics
Classification: Likely benign for Blepharophimosis - intellectual disability syndrome, SBBYS type; Genitopatellar syndrome. Last evaluated: 2024-03-04. Review status: criteria provided, single submitter. Criteria: ACMG Guidelines, 2015. Collection method: clinical testing. Allele origin: germline.

NM_012330.4(KAT6B):c.86A>T (p.Glu29Val)

Gene: KAT6B (lysine acetyltransferase 6B; plus strand). Cytogenetic location: 10q22.2.
Variant type: single nucleotide variant.
Coding change: c.86A>T on transcript NM_012330.4 (MANE Select); coding-DNA position 86, A replaced by T.
Protein change: p.Glu29Val; replaces glutamic acid 29 with valine.
Molecular consequence: missense variant. On other transcripts: 5 prime UTR variant (2).
Genome position (GRCh38, 1-based): chr10:74,842,943, A>T. VCF-style: chr10-74842943-A-T. GRCh37 (hg19) VCF-style: chr10-76602701-A-T.
Other names: c.86A>T, p.Glu29Val (NM_001256468.2, NM_001256469.2, NM_001370132.1 and 10 more transcripts); c.-453A>T (NM_001370134.1, NM_001370135.1); short protein forms E29V.
Identifiers: ClinVar variation 1363581 (VCV001363581.6), dbSNP rs1167009272, ClinGen allele CA377399255.
Genomic context (GRCh38, chr10:74,842,943, plus strand): 5'-ATACAGAGTGGATTCTTGAAGCTATACAGAAAATAAAAAAGCAAAAGCAAAGGCCCTCTG[A>T]AGAGAGAATCTGCCATGCGGTCAGTACTTCCCATGGGTTGGATAAGAAGACAGTCTCTGA-3'
Protein context (NP_036462.2, residues 19-39): KIKKQKQRPS[Glu29Val]ERICHAVSTS